The following is an entry in ClinVar:

NM_005204.4(MAP3K8):c.358C>T (p.Arg120Cys)

Gene: MAP3K8 (mitogen-activated protein kinase kinase kinase 8; plus strand). Cytogenetic location: 10p11.23.
Variant type: single nucleotide variant.
Coding change: c.358C>T on transcript NM_005204.4 (MANE Select); coding-DNA position 358, C replaced by T.
Protein change: p.Arg120Cys; replaces arginine 120 with cysteine.
Molecular consequence: missense variant.
Genome position (GRCh38, 1-based): chr10:30,447,803, C>T. VCF-style: chr10-30447803-C-T. GRCh37 (hg19) VCF-style: chr10-30736732-C-T.
Other names: c.358C>T, p.Arg120Cys (NM_001244134.1, NM_001320961.2); short protein forms R120C.
Identifiers: ClinVar variation 3605306 (VCV003605306.2).
Genomic context (GRCh38, chr10:30,447,803, plus strand): 5'-CTGAAGTTCTCACCGTCTCACATTTTTATTTTGTTGTAGGTCATCACTCCCCAAAATGGA[C>T]GTTACCAAATAGATTCCGATGTTCTCCTGATCCCCTGGAAGCTGACTTACAGGAATATTG-3'
Protein context (NP_005195.2, residues 110-130): LNMVITPQNG[Arg120Cys]YQIDSDVLLI

ClinVar aggregate classification (germline): Uncertain significance (1 of 4 stars; one submission).

gnomAD v4.1: 3 of 1,613,546 alleles (0.00019%); highest among the groups gnomAD compares: East Asian, 0.0022%; no homozygotes.

Submission:

Labcorp Genetics (formerly Invitae), Labcorp
Classification: Uncertain significance. Last evaluated: 2024-08-01. Review status: criteria provided, single submitter. Criteria: Invitae Variant Classification Sherloc (09022015). Collection method: clinical testing. Allele origin: germline.
Comment: This sequence change replaces arginine, which is basic and polar, with cysteine, which is neutral and slightly polar, at codon 120 of the MAP3K8 protein (p.Arg120Cys). This variant is present in population databases (no rsID available, gnomAD 0.003%). This variant has not been reported in the literature in individuals affected with MAP3K8-related conditions. An algorithm developed to predict the effect of missense changes on protein structure and function (PolyPhen-2) suggests that this variant is likely to be disruptive. In summary, the available evidence is currently insufficient to determine the role of this variant in disease. Therefore, it has been classified as a Variant of Uncertain Significance.